The following is an entry in ClinVar:

ClinVar aggregate classification (germline): Uncertain significance. Review status: criteria provided, multiple submitters, no conflicts (2 of 4 stars). 2 submissions from 2 submitters: Uncertain significance (2). Last evaluated 2025-10-07.

Conditions:
Hereditary cancer-predisposing syndrome. Also called: Hereditary neoplastic syndrome; Neoplastic Syndromes, Hereditary; Hereditary Cancer Syndrome; Tumor predisposition. Identifiers: Orphanet 140162, MedGen C0027672, MeSH D009386, MONDO:0015356.
Neuroblastoma, susceptibility to, 3. Also called: ALK-Related Neuroblastic Tumor Susceptibility. Identifiers: Orphanet 635, MedGen C2751681, MONDO:0013083, OMIM 613014.

Allele frequency attached by ClinVar (database versions not stated): gnomAD exomes below 0.00001.
gnomAD v4.1: 4 of 1,613,964 alleles (0.00025%); highest among the groups gnomAD compares: South Asian, 0.0011%; no homozygotes.

Submissions (2):

Labcorp Genetics (formerly Invitae), Labcorp
Classification: Uncertain significance for Neuroblastoma, susceptibility to, 3. Last evaluated: 2025-10-07. Review status: criteria provided, single submitter. Criteria: Invitae Variant Classification Sherloc (09022015). Collection method: clinical testing. Allele origin: germline.
Comment: This sequence change replaces proline, which is neutral and non-polar, with leucine, which is neutral and non-polar, at codon 1218 of the ALK protein (p.Pro1218Leu). This variant is present in population databases (no rsID available, gnomAD 0.003%). This variant has not been reported in the literature in individuals affected with ALK-related conditions. ClinVar contains an entry for this variant (Variation ID: 1411169). An algorithm developed to predict the effect of missense changes on protein structure and function (PolyPhen-2) suggests that this variant is likely to be tolerated. In summary, the available evidence is currently insufficient to determine the role of this variant in disease. Therefore, it has been classified as a Variant of Uncertain Significance.

Ambry Genetics
Classification: Uncertain significance for Hereditary cancer-predisposing syndrome. Last evaluated: 2024-04-22. Review status: criteria provided, single submitter. Criteria: Ambry Variant Classification Scheme 2023. Collection method: clinical testing. Allele origin: germline.
Comment: The p.P1218L variant (also known as c.3653C>T), located in coding exon 24 of the ALK gene, results from a C to T substitution at nucleotide position 3653. The proline at codon 1218 is replaced by leucine, an amino acid with similar properties. This amino acid position is conserved. In addition, this alteration is predicted to be tolerated by in silico analysis. Based on the available evidence, the clinical significance of this variant remains unclear.

NM_004304.5(ALK):c.3653C>T (p.Pro1218Leu)

Gene: ALK (ALK receptor tyrosine kinase; minus strand). Cytogenetic location: 2p23.2.
Variant type: single nucleotide variant.
Coding change: c.3653C>T on transcript NM_004304.5 (MANE Select); coding-DNA position 3653, C replaced by T.
Protein change: p.Pro1218Leu; replaces proline 1218 with leucine.
Molecular consequence: missense variant.
Genome position (GRCh38, 1-based): chr2:29,214,074, G>A on the plus strand (C>T on the coding strand, the complement: ALK is on the minus strand). VCF-style: chr2-29214074-G-A. GRCh37 (hg19) VCF-style: chr2-29436940-G-A.
Other names: c.3653C>T (NM_004304.4); c.449C>T, p.Pro150Leu (NM_001353765.2); short protein forms P150L, P1218L.
Identifiers: ClinVar variation 1411169 (VCV001411169.7), dbSNP rs1159709305, ClinGen allele CA346471659.